The following is an entry in ClinVar:

NM_001267550.2(TTN):c.101486A>T (p.Glu33829Val)

Genes: TTN (titin; minus strand), TTN-AS1 (TTN antisense RNA 1; plus strand). Cytogenetic location: 2q31.2.
Variant type: single nucleotide variant.
Coding change: c.101486A>T on transcript NM_001267550.2 (MANE Select); coding-DNA position 101486, A replaced by T.
Protein change: p.Glu33829Val; replaces glutamic acid 33829 with valine.
Molecular consequence: missense variant.
Genome position (GRCh38, 1-based): chr2:178,535,129, T>A on the plus strand (A>T on the coding strand, the complement: TTN is on the minus strand). VCF-style: chr2-178535129-T-A. GRCh37 (hg19) VCF-style: chr2-179399856-T-A.
Other names: c.96563A>T, p.Glu32188Val (NM_001256850.1); c.74291A>T, p.Glu24764Val (NM_003319.4); c.93782A>T, p.Glu31261Val (NM_133378.4); c.74666A>T, p.Glu24889Val (NM_133432.3); c.74867A>T, p.Glu24956Val (NM_133437.4); short protein forms E24889V, E24956V, E31261V, E24764V, E32188V, E33829V.
Identifiers: ClinVar variation 2099043 (VCV002099043.4), dbSNP rs2468563930, ClinGen allele CA349420605.
Genomic context (GRCh38, chr2:178,535,129, plus strand): 5'-AATTTGGCCATGTATGTCTTCTTTGAGGATGTTTCAACACAACGATGGACAATTCCAAAC[T>A]CACCACGCCCAAGATCTTCAGCAATCATATATTTCTCATAGAGTTCCTTGGTTGAAGAGT-3'
Protein context (NP_001254479.2, residues 33819-33839): YMIAEDLGRG[Glu33829Val]FGIVHRCVET

ClinVar aggregate classification (germline): Uncertain significance (1 of 4 stars; one submission).

Conditions:
Autosomal recessive limb-girdle muscular dystrophy type 2J (LGMDR10). Also called: Limb-girdle muscular dystrophy, type 2J; MUSCULAR DYSTROPHY, LIMB-GIRDLE, AUTOSOMAL RECESSIVE 10. Identifiers: Orphanet 140922, MedGen C1837342, MONDO:0012127, OMIM 608807.
Dilated cardiomyopathy 1G (CMD1G). Identifiers: Orphanet 154, MedGen C1858763, MONDO:0011400, OMIM 604145.

Submission:

Labcorp Genetics (formerly Invitae), Labcorp
Classification: Uncertain significance for Dilated cardiomyopathy 1G; Autosomal recessive limb-girdle muscular dystrophy type 2J. Last evaluated: 2022-02-18. Review status: criteria provided, single submitter. Criteria: Invitae Variant Classification Sherloc (09022015). Collection method: clinical testing. Allele origin: germline.
Comment: In summary, the available evidence is currently insufficient to determine the role of this variant in disease. Therefore, it has been classified as a Variant of Uncertain Significance. This variant is located in the M band of TTN (PMID: 25589632). Variants in this region may be relevant for neuromuscular disorders, but have not been definitively shown to cause cardiomyopathy (PMID: 23975875). Experimental studies and prediction algorithms are not available or were not evaluated, and the functional significance of this variant is currently unknown. This variant has not been reported in the literature in individuals affected with TTN-related conditions. This variant is not present in population databases (gnomAD no frequency). This sequence change replaces glutamic acid, which is acidic and polar, with valine, which is neutral and non-polar, at codon 33829 of the TTN protein (p.Glu33829Val).

Literature cited by the submitters: PubMed 25589632; PubMed 23975875.